The following is an entry in ClinVar:

ClinVar aggregate classification (germline): Conflicting classifications of pathogenicity. Review status: criteria provided, conflicting classifications (1 of 4 stars). 2 submissions from 2 submitters: Uncertain significance (1); Likely benign (1). Last evaluated 2025-10-22.

Conditions:
Hereditary cancer-predisposing syndrome. Also called: Tumor predisposition; Neoplastic Syndromes, Hereditary; Hereditary Cancer Syndrome; Hereditary neoplastic syndrome. Identifiers: Orphanet 140162, MedGen C0027672, MeSH D009386, MONDO:0015356.

Allele frequency attached by ClinVar (database versions not stated): gnomAD exomes below 0.00001 and 0.00001; ExAC 0.00001; gnomAD 0.00001.
gnomAD v4.1: 3 of 1,613,944 alleles (0.00019%); highest among the groups gnomAD compares: Admixed American, 0.0033%; no homozygotes.

Submissions (2):

Ambry Genetics
Classification: Uncertain significance for Hereditary cancer-predisposing syndrome. Last evaluated: 2025-10-22. Review status: criteria provided, single submitter. Criteria: Ambry Variant Classification Scheme 2023. Collection method: clinical testing. Allele origin: germline.
Comment: The c.360C>T variant (also known as p.L120L), located in coding exon 5 of the POLE gene, results from a C to T substitution at nucleotide position 360. This nucleotide substitution does not change the amino acid at codon 120. This nucleotide position is not well conserved in available vertebrate species. In silico splice site analysis for this alteration is inconclusive. Based on the available evidence, the clinical significance of this variant remains unclear.

Labcorp Genetics (formerly Invitae), Labcorp
Classification: Likely benign. Last evaluated: 2020-09-11. Review status: criteria provided, single submitter. Criteria: Invitae Variant Classification Sherloc (09022015). Collection method: clinical testing. Allele origin: germline.

NM_006231.4(POLE):c.360C>T (p.Leu120=)

Gene: POLE (DNA polymerase epsilon, catalytic subunit; minus strand). Cytogenetic location: 12q24.33.
Variant type: single nucleotide variant.
Coding change: c.360C>T on transcript NM_006231.4 (MANE Select); coding-DNA position 360, C replaced by T.
Protein change: p.Leu120=; no amino-acid change (leucine 120 retained).
Molecular consequence: synonymous variant.
Genome position (GRCh38, 1-based): chr12:132,680,017, G>A on the plus strand (C>T on the coding strand, the complement: POLE is on the minus strand). VCF-style: chr12-132680017-G-A. GRCh37 (hg19) VCF-style: chr12-133256603-G-A.
Other names: c.360C>T (NM_006231.2).
Identifiers: ClinVar variation 1102903 (VCV001102903.10), dbSNP rs768524608, ClinGen allele CA6894341.